The following is an entry in ClinVar:

NM_000051.4(ATM):c.8585-2A>C

Genes: ATM (ATM serine/threonine kinase; plus strand), C11orf65 (chromosome 11 open reading frame 65; minus strand). Cytogenetic location: 11q22.3.
Variant type: single nucleotide variant.
Coding change: c.8585-2A>C on transcript NM_000051.4 (MANE Select); the canonical splice acceptor site of the intron before coding-DNA position 8585, A replaced by C.
Molecular consequence: splice acceptor variant. On other transcripts: intron variant (2).
Genome position (GRCh38, 1-based): chr11:108,347,277, A>C. VCF-style: chr11-108347277-A-C. GRCh37 (hg19) VCF-style: chr11-108218004-A-C.
Other names: NM_000051.3(ATM):c.8585-2A>C; c.8585-2A>C (NM_001351834.2); c.641-38206T>G (NM_001330368.2); c.695-11985T>G (NM_001351110.2).
Identifiers: ClinVar variation 407718 (VCV000407718.20), dbSNP rs1060501700, ClinGen allele CA16613454.

ClinVar aggregate classification (germline): Pathogenic. Review status: reviewed by expert panel (3 of 4 stars). 6 submissions from 6 submitters: Pathogenic (1). 5 of the submissions do not count toward it. Last evaluated 2022-03-09.

Conditions:
ATM-related cancer predisposition. Also called: ATM-related cancer susceptibility. Identifiers: MedGen CN377759, MONDO:0700270.
Hereditary cancer-predisposing syndrome. Also called: Neoplastic Syndromes, Hereditary; Hereditary Cancer Syndrome; Tumor predisposition; Hereditary neoplastic syndrome. Identifiers: Orphanet 140162, MedGen C0027672, MeSH D009386, MONDO:0015356.
Familial cancer of breast. Also called: Hereditary breast cancer; BREAST CANCER, FAMILIAL; hereditary breast carcinoma. Identifiers: Orphanet 227535, MedGen C0346153, MONDO:0016419, OMIM 114480. Disease mechanism: loss of function.
Ataxia-telangiectasia syndrome (AT). Also called: LOUIS-BAR SYNDROME; Cerebello-oculocutaneous telangiectasia; Immunodeficiency with ataxia telangiectasia; Ataxia-telangiectasia, complementation group D; AT, COMPLEMENTATION GROUP C; Ataxia-telangiectasia, complementation group E. Identifiers: Orphanet 100, MedGen C0004135, MONDO:0008840, OMIM 208900.

gnomAD v4.1: 1 of 1,599,888 alleles (0.000063%); highest among the groups gnomAD compares: Non-Finnish European, 0.000086%; no homozygotes.

Submissions (6):

ClinGen Hereditary Breast, Ovarian and Pancreatic Cancer Variant Curation Expert Panel, ClinGen
Classification: Pathogenic for ATM-related cancer predisposition. Last evaluated: 2022-03-09. Review status: reviewed by expert panel. Criteria: clingen hbop acmg specifications atm v1-1. Collection method: curation. Allele origin: germline. Inheritance: Autosomal dominant inheritance.
Comment: The ATM c.8585-2A>C variant is predicted to result in a truncated protein that disrupts a critical functional domain (PVS1). This variant has been observed in a homozygous and compound heterozygous state (presumed) in multiple individuals with Ataxia-Telangiectasia (PM3_Strong; PMID: 23322442, PMID: 29665859). This variant is absent in the gnomAD v2.1.1 cohort (PM2_Supporting). In summary, this variant meets criteria to be classified as pathogenic based on the ACMG/AMP criteria applied as specified by the HBOP Variant Curation Expert Panel.

Myriad Genetics, Inc.
Classification: Pathogenic for Familial cancer of breast. Last evaluated: 2024-02-02. Review status: criteria provided, single submitter. Criteria: Myriad Autosomal Dominant, Autosomal Recessive and X-Linked Classification Criteria (2023). Collection method: clinical testing. Allele origin: unknown. Not counted in ClinVar's aggregate classification.
Comment: This variant is considered pathogenic. This variant occurs within a consensus splice junction and is predicted to result in abnormal mRNA splicing of either an out-of-frame exon or an in-frame exon necessary for protein stability and/or normal function. Functional studies indicate this variant impacts protein function [PMID: 22006793]. This variant has been reported in multiple individuals with clinical features of gene-specific disease [PMID: 22006793, 23322442, 21665257, 31741144].

Labcorp Genetics (formerly Invitae), Labcorp
Classification: Likely pathogenic for Ataxia-telangiectasia syndrome. Last evaluated: 2019-10-08. Review status: criteria provided, single submitter. Criteria: Invitae Variant Classification Sherloc (09022015). Collection method: clinical testing. Allele origin: germline. Not counted in ClinVar's aggregate classification.
Comment: In summary, the currently available evidence indicates that the variant is pathogenic, but additional data are needed to prove that conclusively. Therefore, this variant has been classified as Likely Pathogenic. Donor and acceptor splice site variants typically lead to a loss of protein function (PMID: 16199547), and loss-of-function variants in ATM are known to be pathogenic (PMID: 23807571, 25614872). Algorithms developed to predict the effect of sequence changes on RNA splicing suggest that this variant may disrupt the consensus splice site, but this prediction has not been confirmed by published transcriptional studies. This variant has been reported in the literature in an individual affected with ataxia-telangectasia (PMID: 23322442). ClinVar contains an entry for this variant (Variation ID: 407718). This variant is not present in population databases (ExAC no frequency). This sequence change affects an acceptor splice site in intron 58 of the ATM gene. It is expected to disrupt RNA splicing and likely results in an absent or disrupted protein product.

Ambry Genetics
Classification: Pathogenic for Hereditary cancer-predisposing syndrome. Last evaluated: 2019-10-01. Review status: criteria provided, single submitter. Criteria: Ambry Variant Classification Scheme 2023. Collection method: clinical testing. Allele origin: germline. Not counted in ClinVar's aggregate classification.
Comment: The c.8585-2A>C intronic pathogenic mutation results from an A to C substitution two nucleotides upstream from coding exon 58 in the ATM gene. In addition to the clinical data presented in the literature, alterations that disrupt the canonical splice site are expected to cause aberrant splicing, resulting in an abnormal protein or a transcript that is subject to nonsense-mediated mRNA decay. As such, this alteration is classified as a disease-causing mutation.

Mendelics
Classification: Likely pathogenic for Ataxia-telangiectasia syndrome. Last evaluated: 2019-05-28. Review status: criteria provided, single submitter. Criteria: Mendelics Assertion Criteria 2017. Collection method: clinical testing. Allele origin: unknown. Not counted in ClinVar's aggregate classification.

GeneDx
Classification: Likely pathogenic. Last evaluated: 2017-01-25. Review status: criteria provided, single submitter. Criteria: GeneDx Variant Classification (06012015). Collection method: clinical testing. Allele origin: germline. Affected: yes. Not counted in ClinVar's aggregate classification.
Comment: This variant is denoted ATM c.8585-2A>C or IVS58-2A>C and consists of an A>C nucleotide substitution at the -2 position of intron 58 of the ATM gene. This variant destroys a canonical splice acceptor site and is predicted to cause abnormal gene splicing, leading to either an abnormal message that is subject to nonsense-mediated mRNA decay or to an abnormal protein product. This variant has been reported in the homozygous state in an individual with Ataxia-Telangiectasia (Jeddane 2013). Based on the currently available information, we consider ATM c.8585-2A>C to be a likely pathogenic variant.

Literature cited by the submitters: PubMed 22006793 (cited by Myriad Genetics, Inc.); PubMed 23322442 (cited by 3 submitters); PubMed 21665257 (cited by Myriad Genetics, Inc.); PubMed 31741144 (cited by Myriad Genetics, Inc.); PubMed 16199547 (cited by Labcorp Genetics (formerly Invitae), Labcorp); PubMed 23807571 (cited by Labcorp Genetics (formerly Invitae), Labcorp); PubMed 25614872 (cited by Labcorp Genetics (formerly Invitae), Labcorp).